The following is an entry in ClinVar:

NM_005739.4(RASGRP1):c.877_879delinsT (p.Thr293fs)

Gene: RASGRP1 (RAS guanyl releasing protein 1; minus strand). Cytogenetic location: 15q14.
Variant type: Indel.
Coding change: c.877_879delinsT on transcript NM_005739.4 (MANE Select); coding-DNA positions 877 to 879, ACA replaced by T.
Protein change: p.Thr293fs; shifts the reading frame from threonine 293.
Molecular consequence: frameshift variant.
Genome position (GRCh38, 1-based): chr15:38,511,691-38,511,693, TGT replaced by A on the plus strand (ACA replaced by T on the coding strand, the reverse complement: RASGRP1 is on the minus strand). VCF-style: chr15-38511691-TGT-A. GRCh37 (hg19) VCF-style: chr15-38803892-TGT-A.
Other names: c.877_879delinsT, p.Thr293fs (NM_001128602.2, NM_001306086.2); short protein forms T293fs.
Identifiers: ClinVar variation 2072737 (VCV002072737.4), dbSNP rs2542897679, ClinGen allele CA2580089310.

ClinVar aggregate classification (germline): Pathogenic (1 of 4 stars; one submission).

Submission:

Labcorp Genetics (formerly Invitae), Labcorp
Classification: Pathogenic. Last evaluated: 2022-07-05. Review status: criteria provided, single submitter. Criteria: Invitae Variant Classification Sherloc (09022015). Collection method: clinical testing. Allele origin: germline.
Comment: This sequence change creates a premature translational stop signal (p.Thr293Serfs*26) in the RASGRP1 gene. It is expected to result in an absent or disrupted protein product. Loss-of-function variants in RASGRP1 are known to be pathogenic (PMID: 11017103, 27776107, 28822832). This variant is not present in population databases (gnomAD no frequency). This variant has not been reported in the literature in individuals affected with RASGRP1-related conditions. Algorithms developed to predict the effect of sequence changes on RNA splicing suggest that this variant may disrupt the consensus splice site. For these reasons, this variant has been classified as Pathogenic.

Literature cited by the submitters: PubMed 11017103; PubMed 27776107; PubMed 28822832.